The following is an entry in ClinVar:

ClinVar aggregate classification (germline): Uncertain significance (1 of 4 stars; one submission).

Submission:

Ambry Genetics
Classification: Uncertain significance. Last evaluated: 2025-05-27. Review status: criteria provided, single submitter. Criteria: Ambry Variant Classification Scheme 2023. Collection method: clinical testing. Allele origin: germline.
Comment: The c.-4_2dupCGCCAT variant results from a duplication of 6 nucleotides at positions c.-4 to c.2 and involves the initiation codon of the EGLN1 gene. This duplication does not change the methionine residue at the initiation codon (ATG) of coding exon 1. The nucleotide region is well conserved in available vertebrate species. The evidence for this gene-disease relationship is limited; therefore, the clinical significance of this alteration is unclear.

NM_022051.2(EGLN1):c.-4_2dupCGCCAT

Gene: EGLN1 (egl-9 family hypoxia inducible factor 1; minus strand). Cytogenetic location: 1q42.2.
Variant type: Duplication.
Coding change: c.-4_2dupCGCCAT on transcript NM_022051.2; 4 bases upstream of the start codon through coding-DNA position 2, 6 bases duplicated (CGCCAT).
Genome position (GRCh38, 1-based): chr1:231,421,887-231,421,892, ATGGCG duplicated on the plus strand (CGCCAT on the coding strand, the reverse complement: EGLN1 is on the minus strand). VCF-style (leftmost placement, unchanged base first): chr1-231421886-C-CATGGCG. GRCh37 (hg19) VCF-style: chr1-231557632-C-CATGGCG.
Identifiers: ClinVar variation 4016865 (VCV004016865.1).